The following is an entry in ClinVar:

ClinVar aggregate classification (germline): Benign (1 of 4 stars; one submission).

Conditions:
Peutz-Jeghers syndrome (PJS). Also called: POLYPOSIS, HAMARTOMATOUS INTESTINAL; POLYPS-AND-SPOTS SYNDROME; Peutz-Jeghers polyposis; Periorificial lentiginosis syndrome. Identifiers: Orphanet 2869, MedGen C0031269, MeSH D010580, MONDO:0008280, OMIM 175200.

Submission:

Myriad Genetics, Inc.
Classification: Benign for Peutz-Jeghers syndrome. Last evaluated: 2025-03-25. Review status: criteria provided, single submitter. Criteria: Myriad Autosomal Dominant, Autosomal Recessive and X-Linked Classification Criteria (2023). Collection method: clinical testing. Allele origin: unknown.
Comment: This variant is considered benign. This variant is a silent/synonymous amino acid change and it is not expected to impact splicing.

NM_000455.5(STK11):c.201G>A (p.Leu67=)

Gene: STK11 (serine/threonine kinase 11; plus strand). Cytogenetic location: 19p13.3.
Variant type: single nucleotide variant.
Coding change: c.201G>A on transcript NM_000455.5 (MANE Select); coding-DNA position 201, G replaced by A.
Protein change: p.Leu67=; no amino-acid change (leucine 67 retained).
Molecular consequence: synonymous variant. On other transcripts: non-coding transcript variant (1).
Genome position (GRCh38, 1-based): chr19:1,207,114, G>A. VCF-style: chr19-1207114-G-A. GRCh37 (hg19) VCF-style: chr19-1207113-G-A.
Other names: c.201G>A, p.Leu67= (NM_001407255.1).
Identifiers: ClinVar variation 3904011 (VCV003904011.1).
Genomic context (GRCh38, chr19:1,207,114, plus strand): 5'-CAAGTACCTGATGGGGGACCTGCTGGGGGAAGGCTCTTACGGCAAGGTGAAGGAGGTGCT[G>A]GACTCGGAGACGCTGTGCAGGAGGGCCGTCAAGATCCTCAAGAAGAAGAAGTTGCGAAGG-3'
Protein context (NP_000446.1, residues 57-77): EGSYGKVKEV[Leu67=]DSETLCRRAV